The following is an entry in ClinVar:

NM_004329.3(BMPR1A):c.111delinsCCATGGCACTGGGAT (p.Asp38fs)

Gene: BMPR1A (bone morphogenetic protein receptor type 1A; plus strand). Cytogenetic location: 10q23.2.
Variant type: Indel.
Coding change: c.111delinsCCATGGCACTGGGAT on transcript NM_004329.3 (MANE Select); coding-DNA position 111, A replaced by CCATGGCACTGGGAT.
Protein change: p.Asp38fs; shifts the reading frame from aspartic acid 38.
Molecular consequence: frameshift variant.
Genome position (GRCh38, 1-based): chr10:86,890,105, A replaced by CCATGGCACTGGGAT. VCF-style: chr10-86890105-A-CCATGGCACTGGGAT. GRCh37 (hg19) VCF-style: chr10-88649862-A-CCATGGCACTGGGAT.
Other names: c.27delAinsCCATGGCACTGGGAT, p.Asp10Hisfs (NM_001406584.1, NM_001406585.1, NM_001406586.1 and 2 more transcripts); c.111delAinsCCATGGCACTGGGAT, p.Asp38Hisfs (NM_001406589.1, NM_001406559.1, NM_001406560.1 and 23 more transcripts); short protein forms D38fs.
Identifiers: ClinVar variation 1978044 (VCV001978044.4), dbSNP rs2539430767, ClinGen allele CA2580082069.

ClinVar aggregate classification (germline): Pathogenic (1 of 4 stars; one submission).

Conditions:
Juvenile polyposis syndrome (JPS). Identifiers: Orphanet 2929, MedGen C0345893, MONDO:0017380, OMIM 174900.

Submission:

Labcorp Genetics (formerly Invitae), Labcorp
Classification: Pathogenic for Juvenile polyposis syndrome. Last evaluated: 2019-01-24. Review status: criteria provided, single submitter. Criteria: Invitae Variant Classification Sherloc (09022015). Collection method: clinical testing. Allele origin: germline.
Comment: This sequence change creates a premature translational stop signal (p.Asp38Hisfs*16) in the BMPR1A gene. It is expected to result in an absent or disrupted protein product. This variant is not present in population databases (ExAC no frequency). For these reasons, this variant has been classified as Pathogenic. Loss-of-function variants in BMPR1A are known to be pathogenic (PMID: 11536076, 12417513). This variant has not been reported in the literature in individuals with BMPR1A-related conditions.

Literature cited by the submitters: PubMed 11536076; PubMed 12417513.